The following is an entry in ClinVar:

ClinVar aggregate classification (germline): Conflicting classifications of pathogenicity. Review status: criteria provided, conflicting classifications (1 of 4 stars). 3 submissions from 3 submitters: Uncertain significance (1); Likely benign (2). Last evaluated 2026-03-26.

Conditions:
TNFAIP3-related disorder. Also called: TNFAIP3-related condition.

Allele frequency attached by ClinVar (database versions not stated): gnomAD 0.00006 and 0.00007; TOPMed 0.00007; ESP Exome Variant Server 0.00008; gnomAD exomes 0.00008 and 0.00014; ExAC 0.00010; 1000 Genomes Project 30x 0.00016; 1000 Genomes Project 0.00020.

Submissions (3):

PreventionGenetics, part of Exact Sciences
Classification: Uncertain significance for TNFAIP3-related condition. Last evaluated: 2026-03-26. Review status: criteria provided, single submitter. Criteria: ACMG Guidelines, 2015. Collection method: clinical testing. Allele origin: germline.
Comment: The TNFAIP3 c.838C>T variant is predicted to result in the amino acid substitution p.Arg280Trp. This variant has been reported in an individual with common variable immunodeficiency (van Schouwenburg et al. 2015. PubMed ID: 26122175). This variant is reported in 0.28% of alleles in individuals of Ashkenazi Jewish descent in gnomAD, which may be too common to be causative. Although we suspect that this variant may be benign, at this time, the clinical significance of this variant is uncertain due to the absence of conclusive functional and genetic evidence.

Labcorp Genetics (formerly Invitae), Labcorp
Classification: Likely benign. Last evaluated: 2026-02-02. Review status: criteria provided, single submitter. Criteria: Invitae Variant Classification Sherloc (09022015). Collection method: clinical testing. Allele origin: germline.

Women's Health and Genetics/Laboratory Corporation of America, LabCorp
Classification: Likely benign. Last evaluated: 2025-02-24. Review status: criteria provided, single submitter. Criteria: LabCorp Variant Classification Summary - May 2015. Collection method: clinical testing. Allele origin: germline.
Comment: Variant summary: TNFAIP3 c.838C>T (p.Arg280Trp) results in a non-conservative amino acid change in the encoded protein sequence. Four of five in-silico tools predict a damaging effect of the variant on protein function. The variant allele was found at a frequency of 0.00014 in 248898 control chromosomes. The observed variant frequency is approximately 141 fold of the estimated maximal expected allele frequency for a pathogenic variant in TNFAIP3 causing Autoinflammatory syndrome, familial, Behcet-like 1 phenotype (1e-06). c.838C>T has been reported in the literature in one individuals affected with common variable immunodeficiency disorders (van Schouwenburg_2015). The report does not provide unequivocal conclusions about association of the variant with Autoinflammatory syndrome, familial, Behcet-like 1. To our knowledge, no experimental evidence demonstrating an impact on protein function has been reported. The following publication have been ascertained in the context of this evaluation (PMID: 26122175). ClinVar contains an entry for this variant (Variation ID: 1582952). Based on the evidence outlined above, the variant was classified as likely benign.

Literature cited by the submitters: PubMed 26122175 (cited by Women's Health and Genetics/Laboratory Corporation of America, LabCorp).

NM_001270508.2(TNFAIP3):c.838C>T (p.Arg280Trp)

Gene: TNFAIP3 (TNF alpha induced protein 3; plus strand). Cytogenetic location: 6q23.3.
Variant type: single nucleotide variant.
Coding change: c.838C>T on transcript NM_001270508.2 (MANE Select); coding-DNA position 838, C replaced by T.
Protein change: p.Arg280Trp; replaces arginine 280 with tryptophan.
Molecular consequence: missense variant.
Genome position (GRCh38, 1-based): chr6:137,877,108, C>T. VCF-style: chr6-137877108-C-T. GRCh37 (hg19) VCF-style: chr6-138198245-C-T.
Other names: c.838C>T (NM_006290.3); c.838C>T, p.Arg280Trp (NM_001270507.2, NM_006290.4); short protein forms R280W.
Identifiers: ClinVar variation 1582952 (VCV001582952.10), dbSNP rs150198888, ClinGen allele CA4019532.
Genomic context (GRCh38, chr6:137,877,108, plus strand): 5'-TTTACTTATGTATTATTTTTTTCCTTAGAAATCCGAGCTGTTCCACTTGTTAACAGAGAC[C>T]GGGGAAGATTTGAAGACTTAAAAGTTCACTTTTTGACAGATCCTGAAAATGAGATGAAGG-3'
Protein context (NP_001257437.1, residues 270-290): IRAVPLVNRD[Arg280Trp]GRFEDLKVHF